The following is an entry in ClinVar:

ClinVar aggregate classification (germline): Uncertain significance. Review status: criteria provided, multiple submitters, no conflicts (2 of 4 stars). 2 submissions from 2 submitters: Uncertain significance (2). Last evaluated 2026-01-05.

Conditions:
Developmental and epileptic encephalopathy, 31A. Also called: Epileptic encephalopathy, early infantile, 31; Developmental and epileptic encephalopathy, 31. Identifiers: Orphanet 2382, MedGen C4225357, MONDO:0014598, OMIM 616346.

Allele frequency attached by ClinVar (database versions not stated): gnomAD 0.00001; TOPMed 0.00002; gnomAD exomes 0.00003 and 0.00006; ESP Exome Variant Server 0.00008; ExAC 0.00009.

Submissions (2):

Labcorp Genetics (formerly Invitae), Labcorp
Classification: Uncertain significance for Developmental and epileptic encephalopathy, 31A. Last evaluated: 2026-01-05. Review status: criteria provided, single submitter. Criteria: Invitae Variant Classification Sherloc (09022015). Collection method: clinical testing. Allele origin: germline.
Comment: This sequence change falls in intron 19 of the DNM1 gene. It does not directly change the encoded amino acid sequence of the DNM1 protein. It affects a nucleotide within the consensus splice site. This variant is present in population databases (rs374379668, gnomAD 0.04%). This variant has not been reported in the literature in individuals affected with DNM1-related conditions. ClinVar contains an entry for this variant (Variation ID: 575947). Variants that disrupt the consensus splice site are a relatively common cause of aberrant splicing (PMID: 17576681, 9536098). Algorithms developed to predict the effect of sequence changes on RNA splicing suggest that this variant may disrupt the consensus splice site. In summary, the available evidence is currently insufficient to determine the role of this variant in disease. Therefore, it has been classified as a Variant of Uncertain Significance.

Baylor Genetics
Classification: Uncertain significance for Developmental and epileptic encephalopathy, 31A. Last evaluated: 2018-11-15. Review status: criteria provided, single submitter. Criteria: ACMG Guidelines, 2015. Collection method: clinical testing. Allele origin: maternal. Affected: yes.
Comment: This variant was determined to be of uncertain significance according to ACMG Guidelines, 2015 [PMID:25741868].

Literature cited by the submitters: PubMed 17576681 (cited by Labcorp Genetics (formerly Invitae), Labcorp); PubMed 9536098 (cited by Labcorp Genetics (formerly Invitae), Labcorp).

NM_004408.4(DNM1):c.2076+4C>T

Gene: DNM1 (dynamin 1; plus strand). Cytogenetic location: 9q34.11.
Variant type: single nucleotide variant.
Coding change: c.2076+4C>T on transcript NM_004408.4 (MANE Select); 4 bases into the intron after coding-DNA position 2076, C replaced by T.
Molecular consequence: intron variant.
Genome position (GRCh38, 1-based): chr9:128,248,757, C>T. VCF-style: chr9-128248757-C-T. GRCh37 (hg19) VCF-style: chr9-131011036-C-T.
Other names: c.2076+4C>T (NM_001005336.3, NM_001288738.2, NM_001288737.2 and 1 more transcripts).
Identifiers: ClinVar variation 575947 (VCV000575947.12), dbSNP rs374379668, ClinGen allele CA5258412.